The following is an entry in ClinVar:

NM_000883.4(IMPDH1):c.1551-5C>A

Gene: IMPDH1 (inosine monophosphate dehydrogenase 1; minus strand). Cytogenetic location: 7q32.1.
Variant type: single nucleotide variant.
Coding change: c.1551-5C>A on transcript NM_000883.4 (MANE Select); 5 bases into the intron before coding-DNA position 1551, C replaced by A.
Molecular consequence: intron variant.
Genome position (GRCh38, 1-based): chr7:128,394,604, G>T on the plus strand (C>A on the coding strand, the complement: IMPDH1 is on the minus strand). VCF-style: chr7-128394604-G-T. GRCh37 (hg19) VCF-style: chr7-128034658-G-T.
Other names: c.1344-5C>A (NM_001304521.2); c.1443-5C>A (NM_183243.3); c.1521-5C>A (NM_001102605.2); c.1452-5C>A (NM_001142576.2); c.1221-5C>A (NM_001142575.2); c.1281-5C>A (NM_001142574.2); c.1296-5C>A (NM_001142573.2).
Identifiers: ClinVar variation 844171 (VCV000844171.10), dbSNP rs370558710, ClinGen allele CA166121803.
Genomic context (GRCh38, chr7:128,394,604, plus strand): 5'-CTTTGTCCTGGATGGAGCCCGAGACACCCTGCGCGATCTTCACTTTATCCCCCTCGCTGC[G>T]TGGAGGGTGGAAGACTGAGCCCAGCAGCTTGAAGCTCAGAGGACCCCACCCCACCTCTTA-3'

ClinVar aggregate classification (germline): Uncertain significance. Review status: criteria provided, multiple submitters, no conflicts (2 of 4 stars). 2 submissions from 2 submitters: Uncertain significance (2). Last evaluated 2024-09-05.

Allele frequency attached by ClinVar (database versions not stated): TOPMed 0.00001.
gnomAD v4.1: 67 of 1,613,070 alleles (0.0042%); highest among the groups gnomAD compares: Non-Finnish European, 0.0057%; no homozygotes.

Submissions (2):

Blueprint Genetics
Classification: Uncertain significance. Last evaluated: 2024-09-05. Review status: criteria provided, single submitter. Criteria: ACMG Guidelines, 2015. Collection method: clinical testing. Allele origin: germline.

Labcorp Genetics (formerly Invitae), Labcorp
Classification: Uncertain significance. Last evaluated: 2023-03-13. Review status: criteria provided, single submitter. Criteria: Invitae Variant Classification Sherloc (09022015). Collection method: clinical testing. Allele origin: germline.
Comment: This sequence change falls in intron 14 of the IMPDH1 gene. It does not directly change the encoded amino acid sequence of the IMPDH1 protein. In summary, the available evidence is currently insufficient to determine the role of this variant in disease. Therefore, it has been classified as a Variant of Uncertain Significance. Algorithms developed to predict the effect of sequence changes on RNA splicing suggest that this variant may create or strengthen a splice site. ClinVar contains an entry for this variant (Variation ID: 844171). This variant has been observed in individual(s) with clinical features of IMPDH1-related conditions (Invitae). The frequency data for this variant in the population databases is considered unreliable, as metrics indicate poor data quality at this position in the gnomAD database.